The following is an entry in ClinVar:

NM_020699.4(GATAD2B):c.535C>T (p.Arg179Ter)

Gene: GATAD2B (GATA zinc finger domain containing 2B; minus strand). Cytogenetic location: 1q21.3.
Variant type: single nucleotide variant.
Coding change: c.535C>T on transcript NM_020699.4 (MANE Select); coding-DNA position 535, C replaced by T.
Protein change: p.Arg179Ter; replaces arginine 179 with a stop codon.
Molecular consequence: nonsense.
Genome position (GRCh38, 1-based): chr1:153,818,853, G>A on the plus strand (C>T on the coding strand, the complement: GATAD2B is on the minus strand). VCF-style: chr1-153818853-G-A. GRCh37 (hg19) VCF-style: chr1-153791329-G-A.
Other names: short protein forms R179*.
Identifiers: ClinVar variation 435290 (VCV000435290.19), dbSNP rs1553188463, ClinGen allele CA342532883.
Genomic context (GRCh38, chr1:153,818,853, plus strand): 5'-TCTGGACCACATTCTCTTTCTGTAGCTGACTCTGTCTCAGTTTCTTTAACAGGACCAGTC[G>A]GGCTTCTTCCAATCGTAGCTCATCCCTCAGCTGCTTGATAAGCTGCTGCCGCTCCTCAAT-3'

ClinVar aggregate classification (germline): Pathogenic. Review status: criteria provided, multiple submitters, no conflicts (2 of 4 stars). 8 submissions from 8 submitters: Pathogenic (7). 1 of the submissions does not count toward it. Last evaluated 2025-12-31.

Conditions:
Severe intellectual disability-poor language-strabismus-grimacing face-long fingers syndrome (GAND). Also called: GAND SYNDROME. Identifiers: Orphanet 363686, MedGen C3554448, MONDO:0014034, OMIM 615074.
Intellectual disability. Also called: Intellectual developmental disorder; Intellectual functioning disability; intellectual disabilities. Identifiers: MedGen C3714756, MeSH D008607, MONDO:0001071, HP:0001249.

Submissions (8):

GeneDx
Classification: Pathogenic. Last evaluated: 2025-12-31. Review status: criteria provided, single submitter. Criteria: GeneDx Variant Classification Process June 2021. Collection method: clinical testing. Allele origin: germline. Affected: yes.
Comment: Nonsense variant predicted to result in protein truncation or nonsense mediated decay in a gene for which loss of function is a known mechanism of disease; Not observed at significant frequency in large population cohorts (gnomAD); This variant is associated with the following publications: (PMID: 33057194, 35982159, 38114583, 38693247, 32688057)

Dasa
Classification: Pathogenic. Last evaluated: 2025-10-01. Review status: criteria provided, single submitter. Criteria: DASA Assertion Criteria. Collection method: clinical testing. Allele origin: germline.
Comment: NM_020699.4(GATAD2B):c.535C>T (p.Arg179*) introduces a premature termination codon predicted to result in loss of normal protein function. Loss-of-function is an established mechanism of disease for this gene. De novo occurrence has been reported in an individual with related phenotype. This variant has been reported in individuals with related phenotype (PMID: 32688057). The variant is present at low frequency in population datasets. Based on the available data, this variant is classified as pathogenic.

Labcorp Genetics (formerly Invitae), Labcorp
Classification: Pathogenic. Last evaluated: 2025-03-19. Review status: criteria provided, single submitter. Criteria: Invitae Variant Classification Sherloc (09022015). Collection method: clinical testing. Allele origin: germline.
Comment: This sequence change creates a premature translational stop signal (p.Arg179*) in the GATAD2B gene. It is expected to result in an absent or disrupted protein product. Loss-of-function variants in GATAD2B are known to be pathogenic (PMID: 23033978, 25356899, 27159321). This variant is not present in population databases (gnomAD no frequency). This premature translational stop signal has been observed in individual(s) with GATAD2B-associated neurodevelopmental disorder (PMID: 32688057). In at least one individual the variant was observed to be de novo. ClinVar contains an entry for this variant (Variation ID: 435290). For these reasons, this variant has been classified as Pathogenic.

Baylor Genetics
Classification: Pathogenic for Severe intellectual disability-poor language-strabismus-grimacing face-long fingers syndrome. Last evaluated: 2023-12-08. Review status: criteria provided, single submitter. Criteria: ACMG Guidelines, 2015. Collection method: clinical testing. Allele origin: unknown.

Genome-Nilou Lab
Classification: Pathogenic for Severe intellectual disability-poor language-strabismus-grimacing face-long fingers syndrome. Last evaluated: 2023-04-11. Review status: criteria provided, single submitter. Criteria: ACMG Guidelines, 2015. Collection method: clinical testing. Allele origin: germline. Affected: no.

Diagnostic Laboratory, Strasbourg University Hospital
Classification: Pathogenic for Intellectual disability. Last evaluated: 2020-09-10. Review status: criteria provided, single submitter. Criteria: ACMG Guidelines, 2015. Collection method: clinical testing. Allele origin: de novo. Affected: yes. Observed: 1 heterozygote.

Genetic Services Laboratory, University of Chicago
Classification: Pathogenic for Mental retardation, autosomal dominant 18. Last evaluated: 2015-12-01. Review status: criteria provided, single submitter. Criteria: ACMG Guidelines, 2015. Collection method: clinical testing. Allele origin: germline. Affected: yes.

Kasturba Medical College, Manipal, Kasturba Medical College, Manipal, Manipal Academy of Higher Education, Manipal, India
Classification: Pathogenic for Severe intellectual disability-poor language-strabismus-grimacing face-long fingers syndrome. Review status: no assertion criteria provided. Collection method: research. Allele origin: de novo. Inheritance: Autosomal dominant inheritance. Affected: yes. Not counted in ClinVar's aggregate classification.

Literature cited by the submitters: PubMed 32688057 (cited by Dasa and Labcorp Genetics (formerly Invitae), Labcorp); PubMed 23033978 (cited by Labcorp Genetics (formerly Invitae), Labcorp); PubMed 25356899 (cited by Labcorp Genetics (formerly Invitae), Labcorp); PubMed 27159321 (cited by Labcorp Genetics (formerly Invitae), Labcorp).